The following is an entry in ClinVar:

NM_022726.4(ELOVL4):c.*8T>C

Gene: ELOVL4 (ELOVL fatty acid elongase 4; minus strand). Cytogenetic location: 6q14.1.
Variant type: single nucleotide variant.
Coding change: c.*8T>C on transcript NM_022726.4 (MANE Select); 8 bases downstream of the stop codon, T replaced by C.
Molecular consequence: 3 prime UTR variant.
Genome position (GRCh38, 1-based): chr6:79,916,600, A>G on the plus strand (T>C on the coding strand, the complement: ELOVL4 is on the minus strand). VCF-style: chr6-79916600-A-G. GRCh37 (hg19) VCF-style: chr6-80626317-A-G.
Identifiers: ClinVar variation 358145 (VCV000358145.7), dbSNP rs144822141, ClinGen allele CA3901434.

ClinVar aggregate classification (germline): Benign/Likely benign. Review status: criteria provided, multiple submitters, no conflicts (2 of 4 stars). 3 submissions from 3 submitters: Benign (2); Likely benign (1). Last evaluated 2024-10-02.

Conditions:
Stargardt disease 3. Also called: MACULAR DYSTROPHY WITH FLECKS, TYPE 3; STARGARDT-LIKE MACULAR DYSTROPHY, AUTOSOMAL DOMINANT. Identifiers: Orphanet 827, MedGen C1838644, MONDO:0010819, OMIM 600110.

Allele frequency attached by ClinVar (database versions not stated): gnomAD exomes 0.00036 and 0.00100; ExAC 0.00135; gnomAD 0.00399 and 0.00421; TOPMed 0.00421; ESP Exome Variant Server 0.00492; 1000 Genomes Project 0.00599; 1000 Genomes Project 30x 0.00640.
gnomAD v4.1: 1,144 of 1,613,384 alleles (0.071%); highest among the groups gnomAD compares: African/African-American, 1.4%; 7 homozygotes.

Submissions (3):

Blueprint Genetics
Classification: Likely benign. Last evaluated: 2024-10-02. Review status: criteria provided, single submitter. Criteria: ACMG Guidelines, 2015. Collection method: clinical testing. Allele origin: germline.

GeneDx
Classification: Benign. Last evaluated: 2020-11-10. Review status: criteria provided, single submitter. Criteria: GeneDx Variant Classification Process June 2021. Collection method: clinical testing. Allele origin: germline. Affected: yes.

Illumina Laboratory Services, Illumina
Classification: Benign for Stargardt disease 3. Last evaluated: 2018-01-13. Review status: criteria provided, single submitter. Criteria: ICSL Variant Classification Criteria 13 December 2019. Collection method: clinical testing. Allele origin: germline.
Comment: This variant was observed in the ICSL laboratory as part of a predisposition screen in an ostensibly healthy population. It had not been previously curated by ICSL or reported in the Human Gene Mutation Database (HGMD: prior to June 1st, 2018), and was therefore a candidate for classification through an automated scoring system. Utilizing variant allele frequency, disease prevalence and penetrance estimates, and inheritance mode, an automated score was calculated to assess if this variant is too frequent to cause the disease. Based on the score and internal cut-off values, a variant classified as benign is not then subjected to further curation. The score for this variant resulted in a classification of benign for this disease.